The following is an entry in ClinVar:

NM_000059.4(BRCA2):c.5263G>A (p.Glu1755Lys)

Gene: BRCA2 (BRCA2 DNA repair associated; plus strand). Cytogenetic location: 13q13.1.
Variant type: single nucleotide variant.
Coding change: c.5263G>A on transcript NM_000059.4 (MANE Select); coding-DNA position 5263, G replaced by A.
Protein change: p.Glu1755Lys; replaces glutamic acid 1755 with lysine.
Molecular consequence: missense variant. On other transcripts: non-coding transcript variant (1), intron variant (2).
Genome position (GRCh38, 1-based): chr13:32,339,618, G>A. VCF-style: chr13-32339618-G-A. GRCh37 (hg19) VCF-style: chr13-32913755-G-A.
Other names: c.5263G>A, p.Glu1755Lys (NM_001406719.1, NM_001406720.1); c.1910-4940G>A (NM_001406721.1); c.425-4940G>A (NM_001406722.1); short protein forms E1755K.
Identifiers: ClinVar variation 3070628 (VCV003070628.1), dbSNP rs886040584, ClinGen allele CA387784729.
Genomic context (GRCh38, chr13:32,339,618, plus strand): 5'-AAACAAGATACTTATTTAAGTAACAGTAGCATGTCTAACAGCTATTCCTACCATTCTGAT[G>A]AGGTATATAATGATTCAGGATATCTCTCAAAAAATAAACTTGATTCTGGTATTGAGCCAG-3'
Protein context (NP_000050.3, residues 1745-1765): MSNSYSYHSD[Glu1755Lys]VYNDSGYLSK

ClinVar aggregate classification (germline): Uncertain significance (1 of 4 stars; one submission).

Conditions:
Breast-ovarian cancer, familial, susceptibility to, 2 (BROVCA2). Also called: BRCA2 Hereditary Breast and Ovarian Cancer. Identifiers: Orphanet 145, MedGen C2675520, MONDO:0012933, OMIM 612555. Disease mechanism: loss of function.

Submission:

All of Us Research Program, National Institutes of Health
Classification: Uncertain significance for Breast-ovarian cancer, familial, susceptibility to, 2. Last evaluated: 2023-04-27. Review status: criteria provided, single submitter. Criteria: ACMG Guidelines, 2015. Collection method: clinical testing. Allele origin: germline. Inheritance: Autosomal dominant inheritance. Observed: 1 variant allele, 1 heterozygote.
Comment: This study involves interpretation of variants in research participants for the purpose of population health screening. Participant phenotype was not available at the time of variant classification. Additional details can be found in publication PMID: 35346344, PMCID: PMC8962531